The following is an entry in ClinVar:

ClinVar aggregate classification (germline): Uncertain significance (1 of 4 stars; one submission).

Submission:

GeneDx
Classification: Uncertain significance. Last evaluated: 2024-12-10. Review status: criteria provided, single submitter. Criteria: GeneDx Variant Classification Process June 2021. Collection method: clinical testing. Allele origin: germline. Affected: yes.
Comment: Not observed at significant frequency in large population cohorts (gnomAD); In silico analysis indicates that this missense variant does not alter protein structure/function; Has not been previously published as pathogenic or benign to our knowledge

NM_001205293.3(CACNA1E):c.3607A>G (p.Ile1203Val)

Gene: CACNA1E (calcium voltage-gated channel subunit alpha1 E; plus strand). Cytogenetic location: 1q25.3.
Variant type: single nucleotide variant.
Coding change: c.3607A>G on transcript NM_001205293.3 (MANE Select); coding-DNA position 3607, A replaced by G.
Protein change: p.Ile1203Val; replaces isoleucine 1203 with valine.
Molecular consequence: missense variant.
Genome position (GRCh38, 1-based): chr1:181,738,421, A>G. VCF-style: chr1-181738421-A-G. GRCh37 (hg19) VCF-style: chr1-181707557-A-G.
Other names: c.3550A>G, p.Ile1184Val (NM_001205294.2); c.3607A>G, p.Ile1203Val (NM_000721.4); short protein forms I1184V, I1203V.
Identifiers: ClinVar variation 3903401 (VCV003903401.1).